The following is an entry in ClinVar:

NM_004329.3(BMPR1A):c.821A>G (p.Glu274Gly)

Gene: BMPR1A (bone morphogenetic protein receptor type 1A; plus strand). Cytogenetic location: 10q23.2.
Variant type: single nucleotide variant.
Coding change: c.821A>G on transcript NM_004329.3 (MANE Select); coding-DNA position 821, A replaced by G.
Protein change: p.Glu274Gly; replaces glutamic acid 274 with glycine.
Molecular consequence: missense variant. On other transcripts: non-coding transcript variant (3).
Genome position (GRCh38, 1-based): chr10:86,917,279, A>G. VCF-style: chr10-86917279-A-G. GRCh37 (hg19) VCF-style: chr10-88677036-A-G.
Other names: c.896A>G, p.Glu299Gly (NM_001406559.1); c.869A>G, p.Glu290Gly (NM_001406560.1); c.821A>G, p.Glu274Gly (NM_001406561.1, NM_001406562.1, NM_001406563.1 and 19 more transcripts); c.815A>G, p.Glu272Gly (NM_001406583.1); c.737A>G, p.Glu246Gly (NM_001406584.1, NM_001406585.1, NM_001406586.1 and 2 more transcripts); c.479A>G, p.Glu160Gly (NM_001406589.1); short protein forms E160G, E246G, E272G, E274G, E290G, E299G.
Identifiers: ClinVar variation 3766371 (VCV003766371.1).
Genomic context (GRCh38, chr10:86,917,279, plus strand): 5'-GTGGCGAAAAAGTGGCGGTGAAAGTATTCTTTACCACTGAAGAAGCCAGCTGGTTTCGAG[A>G]AACAGAAATCTACCAAACTGTGCTAATGCGCCATGAAAACATACTTGGTGGGTACACACT-3'
Protein context (NP_004320.2, residues 264-284): FTTEEASWFR[Glu274Gly]TEIYQTVLMR

ClinVar aggregate classification (germline): Uncertain significance (1 of 4 stars; one submission).

Submission:

GeneDx
Classification: Uncertain significance. Last evaluated: 2024-08-27. Review status: criteria provided, single submitter. Criteria: GeneDx Variant Classification Process June 2021. Collection method: clinical testing. Allele origin: germline. Affected: yes.
Comment: Not observed at significant frequency in large population cohorts (gnomAD); In silico analysis supports that this missense variant has a deleterious effect on protein structure/function; Has not been previously published as pathogenic or benign to our knowledge